The following is an entry in ClinVar:

NM_004168.4(SDHA):c.944dup (p.Gly316fs)

Gene: SDHA (succinate dehydrogenase complex flavoprotein subunit A; plus strand). Cytogenetic location: 5p15.33.
Variant type: Duplication.
Coding change: c.944dup on transcript NM_004168.4 (MANE Select); coding-DNA position 944, one base duplicated (G; older notation c.944dupG).
Protein change: p.Gly316fs; shifts the reading frame from glycine 316.
Molecular consequence: frameshift variant.
Genome position (GRCh38, 1-based): chr5:233,525, G duplicated; the last of 3 consecutive G bases (chr5:233,523-233,525); duplicating any one gives the same sequence. VCF-style (leftmost placement, unchanged base first): chr5-233522-A-AG. GRCh37 (hg19) VCF-style: chr5-233637-A-AG.
Other names: c.800dup, p.Gly268fs (NM_001294332.2); c.944dup, p.Gly316fs (NM_001330758.2); short protein forms G316fs, G268fs.
Identifiers: ClinVar variation 823258 (VCV000823258.6), dbSNP rs1579402180, ClinGen allele CA915943265.

ClinVar aggregate classification (germline): Pathogenic/Likely pathogenic. Review status: criteria provided, multiple submitters, no conflicts (2 of 4 stars). 3 submissions from 3 submitters: Pathogenic (2); Likely pathogenic (1). Last evaluated 2024-05-23.

Conditions:
Hereditary cancer-predisposing syndrome. Also called: Tumor predisposition; Hereditary neoplastic syndrome; Neoplastic Syndromes, Hereditary; Hereditary Cancer Syndrome. Identifiers: Orphanet 140162, MedGen C0027672, MeSH D009386, MONDO:0015356.
Pheochromocytoma/paraganglioma syndrome 5. Also called: Paragangliomas 5; SDHA-Related Hereditary Paraganglioma-Pheochromocytoma Syndrome. Identifiers: Orphanet 29072, MedGen C3279992, MONDO:0013602, OMIM 614165.

Submissions (3):

Myriad Genetics, Inc.
Classification: Pathogenic for Pheochromocytoma/paraganglioma syndrome 5. Last evaluated: 2024-05-23. Review status: criteria provided, single submitter. Criteria: Myriad Autosomal Dominant, Autosomal Recessive and X-Linked Classification Criteria (2023). Collection method: clinical testing. Allele origin: unknown.
Comment: This variant is considered pathogenic. This variant creates a frameshift predicted to result in premature protein truncation.

Human Genome Sequencing Center Clinical Lab, Baylor College of Medicine
Classification: Likely pathogenic for Pheochromocytoma/paraganglioma syndrome 5. Last evaluated: 2020-06-11. Review status: criteria provided, single submitter. Criteria: ACMG Guidelines, 2015. Collection method: clinical testing. Allele origin: germline.
Comment: This particular SDHA variant, c.944dupG (p.Gly316ArgfsTer5), is predicted to cause a frameshift and subsequent premature stop codon leading to a shortened or absent protein. It is not present in population databases (e.g., gnomAD). Loss-of-function variants in SDHA are known to be pathogenic (PMID: 22974104, 24781757). Therefore, it is considered a likely pathogenic variant.

Ambry Genetics
Classification: Pathogenic for Hereditary cancer-predisposing syndrome. Last evaluated: 2019-11-06. Review status: criteria provided, single submitter. Criteria: Ambry Variant Classification Scheme 2023. Collection method: clinical testing. Allele origin: germline.
Comment: The c.944dupG pathogenic mutation, located in coding exon 8 of the SDHA gene, results from a duplication of G at nucleotide position 944, causing a translational frameshift with a predicted alternate stop codon (p.G316Rfs*5). This alteration is expected to result in loss of function by premature protein truncation or nonsense-mediated mRNA decay. As such, this alteration is interpreted as a disease-causing mutation.